The following is an entry in ClinVar:

ClinVar aggregate classification (germline): Pathogenic. Review status: criteria provided, multiple submitters, no conflicts (2 of 4 stars). 5 submissions from 5 submitters: Pathogenic (4). 1 of the submissions does not count toward it. Last evaluated 2024-08-01.

Conditions:
Hereditary cancer-predisposing syndrome. Also called: Neoplastic Syndromes, Hereditary; Hereditary neoplastic syndrome; Hereditary Cancer Syndrome; Tumor predisposition. Identifiers: Orphanet 140162, MedGen C0027672, MeSH D009386, MONDO:0015356.
Cardiovascular phenotype. Identifiers: MedGen CN230736.
Neurofibromatosis, type 1 (NF1). Also called: Neurofibromatosis, type I; VON RECKLINGHAUSEN DISEASE; NEUROFIBROMATOSIS, TYPE I, SOMATIC; Peripheral type neurofibromatosis. Identifiers: Orphanet 636, MedGen C0027831, MONDO:0018975, OMIM 162200. Disease mechanism: loss of function.

Submissions (5):

Labcorp Genetics (formerly Invitae), Labcorp
Classification: Pathogenic for Neurofibromatosis, type 1. Last evaluated: 2024-08-01. Review status: criteria provided, single submitter. Criteria: Invitae Variant Classification Sherloc (09022015). Collection method: clinical testing. Allele origin: germline.
Comment: This sequence change creates a premature translational stop signal (p.Val341Hisfs*11) in the NF1 gene. It is expected to result in an absent or disrupted protein product. Loss-of-function variants in NF1 are known to be pathogenic (PMID: 10712197, 23913538). This variant is not present in population databases (gnomAD no frequency). This premature translational stop signal has been observed in individual(s) with neurofibromatosis type 1 (PMID: 15146469). ClinVar contains an entry for this variant (Variation ID: 996374). RNA analysis provides insufficient evidence to determine the effect of this variant on NF1 splicing (Invitae). For these reasons, this variant has been classified as Pathogenic.

Ambry Genetics
Classification: Pathogenic for Cardiovascular phenotype; Hereditary cancer-predisposing syndrome. Last evaluated: 2023-11-30. Review status: criteria provided, single submitter. Criteria: Ambry Variant Classification Scheme 2023. Collection method: clinical testing. Allele origin: germline.
Comment: The c.1021_1022delGT pathogenic mutation, located in coding exon 9 of the NF1 gene, results from a deletion of two nucleotides at nucleotide positions 1021 to 1022, causing a translational frameshift with a predicted alternate stop codon (p.V341Hfs*11). This alteration was identified individuals with a diagnosis or clinical suspicion of neurofibromatosis type 1 (Ambry internal data; De Luca A et al. Hum Mutat, 2004 Jun;23:629 Pros E et al. Hum Mutat, 2008 Sep;29:E173-93). This variant is considered to be rare based on population cohorts in the Genome Aggregation Database (gnomAD). This alteration is expected to result in loss of function by premature protein truncation or nonsense-mediated mRNA decay. As such, this alteration is interpreted as a disease-causing mutation.

GeneDx
Classification: Pathogenic. Last evaluated: 2022-09-16. Review status: criteria provided, single submitter. Criteria: GeneDx Variant Classification Process June 2021. Collection method: clinical testing. Allele origin: germline. Affected: yes.
Comment: Frameshift variant predicted to result in protein truncation[or nonsense mediated decay in a gene for which loss of function is a known mechanism of disease; Not observed at significant frequency in large population cohorts (gnomAD); This variant is associated with the following publications: (PMID: 15146469)

Genome Diagnostics Laboratory, The Hospital for Sick Children
Classification: Pathogenic for Neurofibromatosis, type 1. Last evaluated: 2020-10-26. Review status: criteria provided, single submitter. Criteria: ACMG Guidelines, 2015. Collection method: clinical testing. Allele origin: germline. Affected: yes.

Laboratory of Medical Genetics, National & Kapodistrian University of Athens
Classification: Pathogenic for Neurofibromatosis, type 1. Last evaluated: 2019-01-01. Review status: no assertion criteria provided. Collection method: clinical testing. Allele origin: germline. Affected: yes. Not counted in ClinVar's aggregate classification.

Literature cited by the submitters: PubMed 10712197 (cited by Labcorp Genetics (formerly Invitae), Labcorp); PubMed 23913538 (cited by Labcorp Genetics (formerly Invitae), Labcorp); PubMed 15146469 (cited by Labcorp Genetics (formerly Invitae), Labcorp).

NM_001042492.3(NF1):c.1021_1022del (p.Val341fs)

Gene: NF1 (neurofibromin 1; plus strand). Cytogenetic location: 17q11.2.
Variant type: Deletion.
Coding change: c.1021_1022del on transcript NM_001042492.3 (MANE Select); coding-DNA positions 1021 to 1022, 2 bases deleted (GT; older notation c.1021_1022delGT).
Protein change: p.Val341fs; shifts the reading frame from valine 341.
Molecular consequence: frameshift variant.
Genome position (GRCh38, 1-based): chr17:31,200,554-31,200,555, GT deleted; deleting any 2 consecutive bases within chr17:31,200,553-31,200,555 gives the same sequence; the c. name uses the placement nearest the transcript's 3' end. VCF-style (leftmost placement, unchanged base first): chr17-31200552-CTG-C. GRCh37 (hg19) VCF-style: chr17-29527570-CTG-C.
Other names: c.1021_1022delGT (NM_001042492.3, NM_000267.3); c.1021_1022delGT, p.Val341Hisfs (NM_000267.4); c.1021_1022del, p.Val341fs (NM_001128147.3); short protein forms V341fs.
Identifiers: ClinVar variation 996374 (VCV000996374.9), dbSNP rs2066509100, ClinGen allele CA2255550337.